The following is an entry in ClinVar:

NM_000089.4(COL1A2):c.1658G>T (p.Gly553Val)

Gene: COL1A2 (collagen type I alpha 2 chain; plus strand). Cytogenetic location: 7q21.3.
Variant type: single nucleotide variant.
Coding change: c.1658G>T on transcript NM_000089.4 (MANE Select); coding-DNA position 1658, G replaced by T.
Protein change: p.Gly553Val; replaces glycine 553 with valine.
Molecular consequence: missense variant.
Genome position (GRCh38, 1-based): chr7:94,413,940, G>T. VCF-style: chr7-94413940-G-T. GRCh37 (hg19) VCF-style: chr7-94043252-G-T.
Other names: short protein forms G553V.
Identifiers: ClinVar variation 3340561 (VCV003340561.1).
Genomic context (GRCh38, chr7:94,413,940, plus strand): 5'-CCTGTCACTTTCAGGGTGTTCAAGGTGGAAAAGGTGAACAGGGTCCCCCTGGTCCTCCAG[G>T]CTTCCAGGTAAGTCAACTCAAACATATACAATACTGCCTTTGGTCAGCCTATTGAGCTGT-3'
Protein context (NP_000080.2, residues 543-563): KGEQGPPGPP[Gly553Val]FQGLPGPSGP

ClinVar aggregate classification (germline): Pathogenic (1 of 4 stars; one submission).

Submission:

GeneDx
Classification: Pathogenic. Last evaluated: 2024-03-21. Review status: criteria provided, single submitter. Criteria: GeneDx Variant Classification Process June 2021. Collection method: clinical testing. Allele origin: germline. Affected: yes.
Comment: Occurs in the triple helical domain and replaces a glycine in a canonical Gly-X-Y repeat; missense substitution of a canonical glycine residue is expected to disrupt normal protein folding and function, and this is an established mechanism of disease (PMID: 34007986); Not observed at significant frequency in large population cohorts (gnomAD); In silico analysis supports that this missense variant has a deleterious effect on protein structure/function; This variant is associated with the following publications: (PMID: 34007986, 24668929)